The following is an entry in ClinVar:

ClinVar aggregate classification (germline): Uncertain significance (1 of 4 stars; one submission).

Conditions:
Inborn genetic diseases. Identifiers: MedGen C0950123, MeSH D030342.

Submission:

Ambry Genetics
Classification: Uncertain significance for Inborn genetic diseases. Last evaluated: 2025-12-05. Review status: criteria provided, single submitter. Criteria: Ambry Variant Classification Scheme 2023. Collection method: clinical testing. Allele origin: germline.
Comment: The p.G1007A variant (also known as c.3020G>C) is located in coding exon 14 of the MECOM gene. The glycine at codon 1007 is replaced by alanine, an amino acid with similar properties. This change occurs in the first base pair of coding exon 14. This amino acid position is conserved. In addition, this alteration is predicted to be tolerated by in silico analysis. Based on the available evidence, the clinical significance of this variant remains unclear.

NM_004991.4(MECOM):c.3020G>C (p.Gly1007Ala)

Gene: MECOM (MDS1 and EVI1 complex locus; minus strand). Cytogenetic location: 3q26.2.
Variant type: single nucleotide variant.
Coding change: c.3020G>C on transcript NM_004991.4 (MANE Select); coding-DNA position 3020, G replaced by C.
Protein change: p.Gly1007Ala; replaces glycine 1007 with alanine.
Molecular consequence: missense variant.
Genome position (GRCh38, 1-based): chr3:169,093,102, C>G on the plus strand (G>C on the coding strand, the complement: MECOM is on the minus strand). VCF-style: chr3-169093102-C-G. GRCh37 (hg19) VCF-style: chr3-168810890-C-G.
Other names: c.2651G>C, p.Gly884Ala (NM_001105077.4); c.2456G>C, p.Gly819Ala (NM_001105078.4, NM_001205194.2, NM_001366469.2 and 1 more transcripts); c.2432G>C, p.Gly811Ala (NM_001163999.2, NM_001366470.2); c.2429G>C, p.Gly810Ala (NM_001164000.2, NM_001366471.2, NM_001366472.2); c.2993G>C, p.Gly998Ala (NM_001366466.2); c.2459G>C, p.Gly820Ala (NM_001366467.2, NM_001366468.2); c.2021G>C, p.Gly674Ala (NM_001366473.2); c.1457G>C, p.Gly486Ala (NM_001366474.2); short protein forms G1007A, G810A, G819A, G998A, G486A, G811A, G674A, G820A.
Identifiers: ClinVar variation 4624731 (VCV004624731.1).